The following is an entry in ClinVar:

ClinVar aggregate classification (germline): Benign/Likely benign. Review status: criteria provided, multiple submitters, no conflicts (2 of 4 stars). 4 submissions from 4 submitters: Benign (1); Likely benign (3). Last evaluated 2025-12-09.

Conditions:
Pitt-Hopkins-like syndrome 2 (PTHSL2). Identifiers: Orphanet 221150, Orphanet 600663, MedGen C3280479, MONDO:0013690, OMIM 614325.
Inborn genetic diseases. Identifiers: MedGen C0950123, MeSH D030342.

Allele frequency attached by ClinVar (database versions not stated): gnomAD exomes 0.00003 and 0.00006; ExAC 0.00004; gnomAD 0.00006 and 0.00007; TOPMed 0.00016; 1000 Genomes Project 30x 0.00031; 1000 Genomes Project 0.00040.
gnomAD v4.1: 97 of 1,613,464 alleles (0.006%); highest among the groups gnomAD compares: Admixed American, 0.015%; no homozygotes.

Submissions (4):

Labcorp Genetics (formerly Invitae), Labcorp
Classification: Likely benign for Pitt-Hopkins-like syndrome 2. Last evaluated: 2025-12-09. Review status: criteria provided, single submitter. Criteria: Invitae Variant Classification Sherloc (09022015). Collection method: clinical testing. Allele origin: germline.

CeGaT Center for Human Genetics Tuebingen
Classification: Likely benign. Last evaluated: 2022-07-01. Review status: criteria provided, single submitter. Criteria: CeGaT Center For Human Genetics Tuebingen Variant Classification Criteria Version 2. Collection method: clinical testing. Allele origin: germline. Affected: yes. Observed: 1 variant allele.
Comment: NRXN1: BP4, BP7

Ambry Genetics
Classification: Likely benign for Inborn genetic diseases. Last evaluated: 2017-10-27. Review status: criteria provided, single submitter. Criteria: Ambry Variant Classification Scheme 2023. Collection method: clinical testing. Allele origin: germline.

GeneDx
Classification: Benign. Last evaluated: 2015-03-13. Review status: criteria provided, single submitter. Criteria: GeneDx Variant Classification (06012015). Collection method: clinical testing. Allele origin: germline. Affected: yes.
Comment: This variant is considered likely benign or benign based on one or more of the following criteria: it is a conservative change, it occurs at a poorly conserved position in the protein, it is predicted to be benign by multiple in silico algorithms, and/or has population frequency not consistent with disease.

NM_001330078.2(NRXN1):c.2109C>T (p.Ser703=)

Gene: NRXN1 (neurexin 1; minus strand). Cytogenetic location: 2p16.3.
Variant type: single nucleotide variant.
Coding change: c.2109C>T on transcript NM_001330078.2 (MANE Select); coding-DNA position 2109, C replaced by T.
Protein change: p.Ser703=; no amino-acid change (serine 703 retained).
Molecular consequence: synonymous variant.
Genome position (GRCh38, 1-based): chr2:50,538,287, G>A on the plus strand (C>T on the coding strand, the complement: NRXN1 is on the minus strand). VCF-style: chr2-50538287-G-A. GRCh37 (hg19) VCF-style: chr2-50765425-G-A.
Other names: c.2229C>T, p.Ser743= (NM_001135659.3); c.2085C>T, p.Ser695= (NM_001330077.2, NM_001330082.2, NM_001330095.2); c.2070C>T, p.Ser690= (NM_001330083.2, NM_001330084.2); c.2109C>T, p.Ser703= (NM_001330085.2, NM_001330086.2, NM_004801.6); c.2025C>T, p.Ser675= (NM_001330087.2, NM_001330096.2); c.2055C>T, p.Ser685= (NM_001330088.2); c.2106C>T, p.Ser702= (NM_001330093.2); c.2097C>T, p.Ser699= (NM_001330094.2).
Identifiers: ClinVar variation 378290 (VCV000378290.37), dbSNP rs200456688, ClinGen allele CA1654928.